The following is an entry in ClinVar:

NM_015102.5(NPHP4):c.1228C>T (p.Gln410Ter)

Gene: NPHP4 (nephrocystin 4; minus strand). Cytogenetic location: 1p36.31.
Variant type: single nucleotide variant.
Coding change: c.1228C>T on transcript NM_015102.5 (MANE Select); coding-DNA position 1228, C replaced by T.
Protein change: p.Gln410Ter; replaces glutamine 410 with a stop codon.
Molecular consequence: nonsense. On other transcripts: 5 prime UTR variant (2), non-coding transcript variant (1).
Genome position (GRCh38, 1-based): chr1:5,933,221, G>A on the plus strand (C>T on the coding strand, the complement: NPHP4 is on the minus strand). VCF-style: chr1-5933221-G-A. GRCh37 (hg19) VCF-style: chr1-5993281-G-A.
Other names: c.-139C>T (NM_001291593.2, NM_001291594.2); short protein forms Q410*.
Identifiers: ClinVar variation 951173 (VCV000951173.27), dbSNP rs1237376396, ClinGen allele CA338061286.
Genomic context (GRCh38, chr1:5,933,221, plus strand): 5'-TGCTGGCTGAGGGTACCTTGTAGACCAGACAGTGCGAGGGGTTGGGCTGGATCCCACCCT[G>A]CAGAGGCAGGGTCACCCTTCCAGAATCAGCTTCCAGCAAGGGGTTCCAAACAGCCCAGCG-3'

ClinVar aggregate classification (germline): Pathogenic/Likely pathogenic. Review status: criteria provided, multiple submitters, no conflicts (2 of 4 stars). 5 submissions from 5 submitters: Pathogenic (3); Likely pathogenic (1). 1 of the submissions does not count toward it. Last evaluated 2025-04-01.

Conditions:
Nephronophthisis. Also called: Juvenile Nephronophthisis. Identifiers: Orphanet 655, MedGen C0687120, MONDO:0019005, HP:0000090.
NPHP4-related disorder. Also called: NPHP4-related condition; NPHP4-related disorders. Identifiers: MedGen CN239384.
Nephronophthisis 4 (NPHP4). Also called: NEPHRONOPHTHISIS 4, JUVENILE. Identifiers: Orphanet 655, MedGen C1847013, MONDO:0011752, OMIM 606966.

Allele frequency attached by ClinVar (database versions not stated): gnomAD 0.00001; TOPMed 0.00001; gnomAD exomes 0.00005.
gnomAD v4.1: 73 of 1,613,798 alleles (0.0045%); highest among the groups gnomAD compares: Non-Finnish European, 0.0059%; no homozygotes.

Submissions (5):

CeGaT Center for Human Genetics Tuebingen
Classification: Pathogenic. Last evaluated: 2025-04-01. Review status: criteria provided, single submitter. Criteria: CeGaT Center For Human Genetics Tuebingen Variant Classification Criteria Version 2. Collection method: clinical testing. Allele origin: germline. Affected: yes. Observed: 4 variant alleles.
Comment: NPHP4: PVS1, PM2, PM3

Illumina Laboratory Services, Illumina
Classification: Pathogenic for Nephronophthisis 4. Last evaluated: 2024-01-23. Review status: criteria provided, single submitter. Criteria: ICSLVariantClassificationCriteria RUGD 01 April 2020. Collection method: clinical testing. Allele origin: unknown.
Comment: The NPHP4 c.1228C>T p.(Gln410Ter) nonsense variant results in the loss of normal protein function through either protein truncation or nonsense-mediated mRNA decay. This variant was identified with another pathogenic variant in NPHP4 in an individual with a phenotype consistent with nephronophthisis, however phase was not confirmed (PMID: 23559409). This variant is not observed at a significant frequency in version 2.1.1 or version 4.0.0 of the Genome Aggregation Database. Based on the available evidence, the c.1228C>T p.(Gln410Ter) variant is classified as pathogenic for nephronophthisis type 4.

Labcorp Genetics (formerly Invitae), Labcorp
Classification: Pathogenic for Nephronophthisis. Last evaluated: 2023-12-02. Review status: criteria provided, single submitter. Criteria: Invitae Variant Classification Sherloc (09022015). Collection method: clinical testing. Allele origin: germline.
Comment: This sequence change creates a premature translational stop signal (p.Gln410*) in the NPHP4 gene. It is expected to result in an absent or disrupted protein product. Loss-of-function variants in NPHP4 are known to be pathogenic (PMID: 12205563, 23559409). This variant is not present in population databases (gnomAD no frequency). This premature translational stop signal has been observed in individual(s) with nephronophthisis-related ciliopathies and dextrocardia (PMID: 23559409). ClinVar contains an entry for this variant (Variation ID: 951173). For these reasons, this variant has been classified as Pathogenic.

Blueprint Genetics
Classification: Likely pathogenic for NPHP4-related disorders. Last evaluated: 2020-03-13. Review status: criteria provided, single submitter. Criteria: ACMG Guidelines, 2015. Collection method: clinical testing. Allele origin: germline. Affected: yes. Observed: 2 variant alleles.

Sydney Genome Diagnostics, Children's Hospital Westmead
Classification: Pathogenic for Nephronophthisis. Last evaluated: 2018-05-30. Review status: no assertion criteria provided. Collection method: clinical testing. Allele origin: unknown. Affected: yes. Observed: 1 variant allele, 1 compound heterozygote. Not counted in ClinVar's aggregate classification.
Comment: This variant creates a premature stop codon (p.Gln410*), and may result in a null allele due to nonsense-mediated mRNA decay. This variant has been previously reported as a compound heterozygote, with another pathogenic variant, in a patient with a nephronophthisis-related ciliopathy (Halbritter et al 2013 Hum Genet 132:865-884). This variant is considered to be pathogenic according to the ACMG guidelines.

Literature cited by the submitters: PubMed 12205563 (cited by Labcorp Genetics (formerly Invitae), Labcorp); PubMed 23559409 (cited by Labcorp Genetics (formerly Invitae), Labcorp).